The following is an entry in ClinVar:

NM_019023.5(PRMT7):c.280G>A (p.Glu94Lys)

Gene: PRMT7 (protein arginine methyltransferase 7; plus strand). Cytogenetic location: 16q22.1.
Variant type: single nucleotide variant.
Coding change: c.280G>A on transcript NM_019023.5 (MANE Select); coding-DNA position 280, G replaced by A.
Protein change: p.Glu94Lys; replaces glutamic acid 94 with lysine.
Molecular consequence: missense variant. On other transcripts: non-coding transcript variant (12), intron variant (1).
Genome position (GRCh38, 1-based): chr16:68,324,830, G>A. VCF-style: chr16-68324830-G-A. GRCh37 (hg19) VCF-style: chr16-68358733-G-A.
Other names: c.280G>A, p.Glu94Lys (NM_001290018.2, NM_001351143.3, NM_001351144.3 and 1 more transcripts); c.182G>A, p.Arg61Gln (NM_001378020.1); c.43G>A, p.Glu15Lys (NM_001378021.1, NM_001378022.1, NM_001378023.1); c.132+3368G>A (NM_001184824.4); short protein forms E15K, E94K, R61Q.
Identifiers: ClinVar variation 1016001 (VCV001016001.9), dbSNP rs749656743, ClinGen allele CA8127039.
Genomic context (GRCh38, chr16:68,324,830, plus strand): 5'-GGCACGGGACTCTTGTCAATGATGGCGGTCACAGCAGGTGCCGACTTCTGCTATGCCATC[G>A]AGGTAAGCCATTCCCTTCAGGTGTGTGTCCTGCATCTTGCATGGGAAATCCCCTATGCTC-3'
Protein context (NP_061896.1, residues 84-104): TAGADFCYAI[Glu94Lys]VFKPMADAAV

ClinVar aggregate classification (germline): Uncertain significance. Review status: criteria provided, multiple submitters, no conflicts (2 of 4 stars). 2 submissions from 2 submitters: Uncertain significance (2). Last evaluated 2023-12-04.

Allele frequency attached by ClinVar (database versions not stated): ExAC 0.00001; gnomAD exomes 0.00001.
gnomAD v4.1: 11 of 1,613,888 alleles (0.00068%); highest among the groups gnomAD compares: South Asian, 0.0088%; no homozygotes.

Submissions (2):

Blueprint Genetics
Classification: Uncertain significance. Last evaluated: 2023-12-04. Review status: criteria provided, single submitter. Criteria: ACMG Guidelines, 2015. Collection method: clinical testing. Allele origin: germline.

Labcorp Genetics (formerly Invitae), Labcorp
Classification: Uncertain significance. Last evaluated: 2020-03-05. Review status: criteria provided, single submitter. Criteria: Invitae Variant Classification Sherloc (09022015). Collection method: clinical testing. Allele origin: germline.
Comment: This variant has not been reported in the literature in individuals with PRMT7-related conditions. In summary, the available evidence is currently insufficient to determine the role of this variant in disease. Therefore, it has been classified as a Variant of Uncertain Significance. Algorithms developed to predict the effect of missense changes on protein structure and function are either unavailable or do not agree on the potential impact of this missense change (SIFT: "Deleterious"; PolyPhen-2: "Probably Damaging"; Align-GVGD: "Class C0"). This variant is present in population databases (rs749656743, ExAC 0.001%). This sequence change replaces glutamic acid with lysine at codon 94 of the PRMT7 protein (p.Glu94Lys). The glutamic acid residue is highly conserved and there is a small physicochemical difference between glutamic acid and lysine.